The following is an entry in ClinVar:

ClinVar aggregate classification (germline): Uncertain significance (1 of 4 stars; one submission).

Conditions:
Dilated cardiomyopathy 1G (CMD1G). Identifiers: Orphanet 154, MedGen C1858763, MONDO:0011400, OMIM 604145.
Autosomal recessive limb-girdle muscular dystrophy type 2J (LGMDR10). Also called: MUSCULAR DYSTROPHY, LIMB-GIRDLE, AUTOSOMAL RECESSIVE 10; Limb-girdle muscular dystrophy, type 2J. Identifiers: Orphanet 140922, MedGen C1837342, MONDO:0012127, OMIM 608807.

Submission:

Labcorp Genetics (formerly Invitae), Labcorp
Classification: Uncertain significance for Dilated cardiomyopathy 1G; Autosomal recessive limb-girdle muscular dystrophy type 2J. Last evaluated: 2024-02-29. Review status: criteria provided, single submitter. Criteria: Invitae Variant Classification Sherloc (09022015). Collection method: clinical testing. Allele origin: germline.
Comment: This sequence change falls in intron 315 of the TTN gene. It does not directly change the encoded amino acid sequence of the TTN protein. It affects a nucleotide within the consensus splice site. This variant is not present in population databases (gnomAD no frequency). This variant has been observed in individual(s) with dilated cardiomyopathy (PMID: 31112426). Variants that disrupt the consensus splice site are a relatively common cause of aberrant splicing (PMID: 17576681, 9536098). Algorithms developed to predict the effect of sequence changes on RNA splicing suggest that this variant may disrupt the consensus splice site. This variant is located in the A band of TTN (PMID: 25589632). Variants in this region may be relevant for cardiac or neuromuscular disorders (PMID: 25589632, 23975875). In summary, the available evidence is currently insufficient to determine the role of this variant in disease. Therefore, it has been classified as a Variant of Uncertain Significance.

Literature cited by the submitters: PubMed 31112426; PubMed 17576681; PubMed 9536098; PubMed 25589632; PubMed 23975875.

NM_001267550.2(TTN):c.66463+5G>C

Genes: TTN-AS1 (TTN antisense RNA 1; plus strand), TTN (titin; minus strand). Cytogenetic location: 2q31.2.
Variant type: single nucleotide variant.
Coding change: c.66463+5G>C on transcript NM_001267550.2 (MANE Select); 5 bases into the intron after coding-DNA position 66463, G replaced by C.
Molecular consequence: intron variant.
Genome position (GRCh38, 1-based): chr2:178,581,901, C>G on the plus strand (G>C on the coding strand, the complement: TTN is on the minus strand). VCF-style: chr2-178581901-C-G. GRCh37 (hg19) VCF-style: chr2-179446628-C-G.
Other names: c.39268+5G>C (NM_003319.4); c.39844+5G>C (NM_133437.4); c.39643+5G>C (NM_133432.3); c.58759+5G>C (NM_133378.4); c.61540+5G>C (NM_001256850.1).
Identifiers: ClinVar variation 2944406 (VCV002944406.3), dbSNP rs2469005789, ClinGen allele CA2586970754.
Genomic context (GRCh38, chr2:178,581,901, plus strand): 5'-CTTCCTTCCTGGGTGTTTAATGCTGCTTTTAACACAGGATATGGAACTCGTTCATGAACA[C>G]TTACACTGAGGGTCCCGAGCATAAGCGGCCTTGGATGCGTCACTGGGTTTGCCTGGTCCA-3'